The following is an entry in ClinVar:

NM_020693.4(DSCAML1):c.5774C>A (p.Pro1925His)

Gene: DSCAML1 (DS cell adhesion molecule like 1; minus strand). Cytogenetic location: 11q23.3.
Variant type: single nucleotide variant.
Coding change: c.5774C>A on transcript NM_020693.4 (MANE Select); coding-DNA position 5774, C replaced by A.
Protein change: p.Pro1925His; replaces proline 1925 with histidine.
Molecular consequence: missense variant.
Genome position (GRCh38, 1-based): chr11:117,428,716, G>T on the plus strand (C>A on the coding strand, the complement: DSCAML1 is on the minus strand). VCF-style: chr11-117428716-G-T. GRCh37 (hg19) VCF-style: chr11-117299432-G-T.
Other names: short protein forms P1925H.
Identifiers: ClinVar variation 3644214 (VCV003644214.2).
Genomic context (GRCh38, chr11:117,428,716, plus strand): 5'-GTCAGGTGGCGAGCCTGGGTGTGGTAGGTTCGAGCCAGGTTCCGGATGGAGGCCTCACGG[G>T]GTGGGACCACGGGGCAGGGCTCACGTCCATCTGCCTTTCGAAAGAAGGCCTCTGACTTGG-3'
Protein context (NP_065744.3, residues 1915-1935): DGREPCPVVP[Pro1925His]REASIRNLAR

ClinVar aggregate classification (germline): Uncertain significance (1 of 4 stars; one submission).

Submission:

Labcorp Genetics (formerly Invitae), Labcorp
Classification: Uncertain significance. Last evaluated: 2024-03-02. Review status: criteria provided, single submitter. Criteria: Invitae Variant Classification Sherloc (09022015). Collection method: clinical testing. Allele origin: germline.
Comment: This sequence change replaces proline, which is neutral and non-polar, with histidine, which is basic and polar, at codon 1985 of the DSCAML1 protein (p.Pro1985His). This variant is not present in population databases (gnomAD no frequency). This variant has not been reported in the literature in individuals affected with DSCAML1-related conditions. An algorithm developed to predict the effect of missense changes on protein structure and function (PolyPhen-2) suggests that this variant is likely to be disruptive. In summary, the available evidence is currently insufficient to determine the role of this variant in disease. Therefore, it has been classified as a Variant of Uncertain Significance.